The following is an entry in ClinVar:

ClinVar aggregate classification (germline): Uncertain significance (1 of 4 stars; one submission).

Conditions:
Neuropathy, hereditary sensory, type 2C. Also called: Hereditary sensory and autonomic neuropathy type IIC; KIF1A-Related HSAN2 (HSAN2C). Identifiers: Orphanet 970, MedGen C3280168, MONDO:0013634, OMIM 614213.
Hereditary spastic paraplegia 30. Identifiers: Orphanet 101010, MedGen C5235139, MONDO:0012476.
Intellectual disability, autosomal dominant 9 (NESCAVS). Also called: NESCAV SYNDROME; KIF1A-Related Neurodevelopmental Disorder. Identifiers: Orphanet 662367, MedGen C5393830, MONDO:0013656, OMIM 614255.

Allele frequency attached by ClinVar (database versions not stated): gnomAD exomes 0.00001; ExAC 0.00003.
gnomAD v4.1: 15 of 1,606,532 alleles (0.00093%); highest among the groups gnomAD compares: South Asian, 0.016%; no homozygotes.

Submission:

Labcorp Genetics (formerly Invitae), Labcorp
Classification: Uncertain significance for Hereditary spastic paraplegia 30; Neuropathy, hereditary sensory, type 2C; Intellectual disability, autosomal dominant 9. Last evaluated: 2023-04-22. Review status: criteria provided, single submitter. Criteria: Invitae Variant Classification Sherloc (09022015). Collection method: clinical testing. Allele origin: germline.
Comment: In summary, the available evidence is currently insufficient to determine the role of this variant in disease. Therefore, it has been classified as a Variant of Uncertain Significance. Algorithms developed to predict the effect of missense changes on protein structure and function output the following: SIFT: "Not Available"; PolyPhen-2: "Benign"; Align-GVGD: "Not Available". The isoleucine amino acid residue is found in multiple mammalian species, which suggests that this missense change does not adversely affect protein function. This variant has not been reported in the literature in individuals affected with KIF1A-related conditions. This variant is present in population databases (rs755376572, gnomAD 0.02%). This sequence change replaces threonine, which is neutral and polar, with isoleucine, which is neutral and non-polar, at codon 1523 of the KIF1A protein (p.Thr1523Ile).

NM_001244008.2(KIF1A):c.4871C>T (p.Thr1624Ile)

Gene: KIF1A (kinesin family member 1A; minus strand). Cytogenetic location: 2q37.3.
Variant type: single nucleotide variant.
Coding change: c.4871C>T on transcript NM_001244008.2 (MANE Select); coding-DNA position 4871, C replaced by T.
Protein change: p.Thr1624Ile; replaces threonine 1624 with isoleucine.
Molecular consequence: missense variant.
Genome position (GRCh38, 1-based): chr2:240,719,924, G>A on the plus strand (C>T on the coding strand, the complement: KIF1A is on the minus strand). VCF-style: chr2-240719924-G-A. GRCh37 (hg19) VCF-style: chr2-241659341-G-A.
Other names: c.4595C>T, p.Thr1532Ile (NM_001320705.2, NM_001379649.1); c.4622C>T, p.Thr1541Ile (NM_001330289.2); c.4670C>T, p.Thr1557Ile (NM_001330290.2, NM_001379648.1); c.4946C>T, p.Thr1649Ile (NM_001379631.1); c.4847C>T, p.Thr1616Ile (NM_001379632.1); c.4844C>T, p.Thr1615Ile (NM_001379633.1, NM_001379645.1); c.4697C>T, p.Thr1566Ile (NM_001379634.1); c.4694C>T, p.Thr1565Ile (NM_001379635.1, NM_001379646.1); and 7 more; short protein forms T1523I, T1532I, T1616I, T1565I, T1615I, T1531I, T1541I, T1557I.
Identifiers: ClinVar variation 2931670 (VCV002931670.3), dbSNP rs755376572, ClinGen allele CA2207260.